The following is an entry in ClinVar:

NM_001267550.2(TTN):c.41247A>G (p.Gln13749=)

Gene: TTN (titin; minus strand). Cytogenetic location: 2q31.2.
Variant type: single nucleotide variant.
Coding change: c.41247A>G on transcript NM_001267550.2 (MANE Select); coding-DNA position 41247, A replaced by G.
Protein change: p.Gln13749=; no amino-acid change (glutamine 13749 retained).
Molecular consequence: synonymous variant.
Genome position (GRCh38, 1-based): chr2:178,636,480, T>C on the plus strand (A>G on the coding strand, the complement: TTN is on the minus strand). VCF-style: chr2-178636480-T-C. GRCh37 (hg19) VCF-style: chr2-179501207-T-C.
Other names: c.36324A>G, p.Gln12108= (NM_001256850.1); c.14052A>G, p.Gln4684= (NM_003319.4); c.33543A>G, p.Gln11181= (NM_133378.4); c.14427A>G, p.Gln4809= (NM_133432.3); c.14628A>G, p.Gln4876= (NM_133437.4).
Identifiers: ClinVar variation 2599740 (VCV002599740.20), dbSNP rs184150158, ClinGen allele CA61007693.

ClinVar aggregate classification (germline): Likely benign. Review status: criteria provided, multiple submitters, no conflicts (2 of 4 stars). 2 submissions from 2 submitters: Likely benign (2). Last evaluated 2026-06-01.

Conditions:
Cardiovascular phenotype. Identifiers: MedGen CN230736.

Allele frequency attached by ClinVar (database versions not stated): 1000 Genomes Project 0.00020; gnomAD 0.00001; 1000 Genomes Project 30x 0.00016.
gnomAD v4.1: 1 of 1,613,394 alleles (0.000062%); highest among the groups gnomAD compares: East Asian, 0.0022%; no homozygotes.

Submissions (2):

CeGaT Center for Human Genetics Tuebingen
Classification: Likely benign. Last evaluated: 2026-06-01. Review status: criteria provided, single submitter. Criteria: CeGaT Center For Human Genetics Tuebingen Variant Classification Criteria Version 2. Collection method: clinical testing. Allele origin: germline. Affected: yes. Observed: 4 variant alleles.
Comment: TTN: BP4, BP7

Ambry Genetics
Classification: Likely benign for Cardiovascular phenotype. Last evaluated: 2023-07-14. Review status: criteria provided, single submitter. Criteria: Ambry Variant Classification Scheme 2023. Collection method: clinical testing. Allele origin: germline.